The following is an entry in ClinVar:

NM_198253.3(TERT):c.3363G>A (p.Pro1121=)

Gene: TERT (telomerase reverse transcriptase; minus strand). Cytogenetic location: 5p15.33.
Variant type: single nucleotide variant.
Coding change: c.3363G>A on transcript NM_198253.3 (MANE Select); coding-DNA position 3363, G replaced by A.
Protein change: p.Pro1121=; no amino-acid change (proline 1121 retained).
Molecular consequence: synonymous variant. On other transcripts: non-coding transcript variant (2).
Genome position (GRCh38, 1-based): chr5:1,253,764, C>T on the plus strand (G>A on the coding strand, the complement: TERT is on the minus strand). VCF-style: chr5-1253764-C-T. GRCh37 (hg19) VCF-style: chr5-1253879-C-T.
Other names: c.3174G>A, p.Pro1058= (NM_001193376.3).
Identifiers: ClinVar variation 471889 (VCV000471889.17), dbSNP rs750020682, ClinGen allele CA3184202.

ClinVar aggregate classification (germline): Likely benign. Review status: criteria provided, multiple submitters, no conflicts (2 of 4 stars). 5 submissions from 5 submitters: Likely benign (5). Last evaluated 2026-07-24.

Conditions:
Idiopathic Pulmonary Fibrosis. Also called: Idiopathic fibrosing alveolitis, chronic form; idiopathic fibrosing alveolitis. Identifiers: Orphanet 2032, MedGen C1800706, MeSH D054990, MONDO:0800504.
Dyskeratosis congenita, autosomal dominant 2. Identifiers: MedGen C3151443, MONDO:0013521, OMIM 613989.
TERT-related disorder. Also called: TERT-related disorders; TERT-related condition.
Dyskeratosis congenita. Identifiers: Orphanet 1775, MedGen C0265965, MONDO:0015780.

Allele frequency attached by ClinVar (database versions not stated): gnomAD exomes 0.00002; ExAC 0.00003; gnomAD 0.00007 and 0.00009; TOPMed 0.00008.
gnomAD v4.1: 43 of 1,612,080 alleles (0.0027%); highest among the groups gnomAD compares: African/African-American, 0.023%; 1 homozygote.

Submissions (5):

PreventionGenetics, part of Exact Sciences
Classification: Likely benign for TERT-related condition. Last evaluated: 2026-07-24. Review status: criteria provided, single submitter. Criteria: ACMG Guidelines, 2015. Collection method: clinical testing. Allele origin: germline.
Comment: This variant is classified as likely benign based on ACMG/AMP sequence variant interpretation guidelines (Richards et al. 2015 PMID: 25741868, with internal and published modifications).

Labcorp Genetics (formerly Invitae), Labcorp
Classification: Likely benign for Dyskeratosis congenita, autosomal dominant 2; Idiopathic Pulmonary Fibrosis. Last evaluated: 2025-11-27. Review status: criteria provided, single submitter. Criteria: Invitae Variant Classification Sherloc (09022015). Collection method: clinical testing. Allele origin: germline.

Blueprint Genetics
Classification: Likely benign. Last evaluated: 2023-12-04. Review status: criteria provided, single submitter. Criteria: ACMG Guidelines, 2015. Collection method: clinical testing. Allele origin: germline.

Ambry Genetics
Classification: Likely benign for Dyskeratosis congenita. Last evaluated: 2022-02-13. Review status: criteria provided, single submitter. Criteria: Ambry Variant Classification Scheme 2023. Collection method: clinical testing. Allele origin: germline.

Sema4
Classification: Likely benign for Dyskeratosis congenita. Last evaluated: 2021-06-10. Review status: criteria provided, single submitter. Criteria: Sema4 Curation Guidelines. Collection method: curation. Allele origin: germline.